The following is an entry in ClinVar:

ClinVar aggregate classification (germline): Pathogenic. Review status: criteria provided, multiple submitters, no conflicts (2 of 4 stars). 3 submissions from 3 submitters: Pathogenic (3). Last evaluated 2025-02-05.

Conditions:
Hereditary cancer-predisposing syndrome. Also called: Neoplastic Syndromes, Hereditary; Tumor predisposition; Hereditary neoplastic syndrome; Hereditary Cancer Syndrome. Identifiers: Orphanet 140162, MedGen C0027672, MeSH D009386, MONDO:0015356.
Familial adenomatous polyposis 1 (FAP1). Also called: FAMILIAL ADENOMATOUS POLYPOSIS 1, ATTENUATED; POLYPOSIS, ADENOMATOUS INTESTINAL. Identifiers: MedGen C2713442, MONDO:0021056, OMIM 175100. Disease mechanism: loss of function.

Submissions (3):

Ambry Genetics
Classification: Pathogenic for Hereditary cancer-predisposing syndrome. Last evaluated: 2025-02-05. Review status: criteria provided, single submitter. Criteria: Ambry Variant Classification Scheme 2023. Collection method: clinical testing. Allele origin: germline.
Comment: The c.2666_2667delAA pathogenic mutation, located in coding exon 15 of the APC gene, results from a deletion of two nucleotides at nucleotide positions 2666 to 2667, causing a translational frameshift with a predicted alternate stop codon (p.K889Sfs*22). This alteration occurs at the 3' terminus of theAPC gene, is not expected to trigger nonsense-mediated mRNA decay, and impacts the last 68.7% of the protein. However, premature stop codons are typically deleterious in nature and a significant portion of the protein is affected (Ambry internal data). This variant is considered to be rare based on population cohorts in the Genome Aggregation Database (gnomAD). Based on the supporting evidence, this variant is interpreted as a disease-causing mutation.

Myriad Genetics, Inc.
Classification: Pathogenic for Familial adenomatous polyposis 1. Last evaluated: 2023-05-05. Review status: criteria provided, single submitter. Criteria: Myriad Autosomal Dominant, Autosomal Recessive and X-Linked Classification Criteria (2023). Collection method: clinical testing. Allele origin: unknown.
Comment: This variant is considered pathogenic. This variant creates a frameshift predicted to result in premature protein truncation.

Labcorp Genetics (formerly Invitae), Labcorp
Classification: Pathogenic for Familial adenomatous polyposis 1. Last evaluated: 2021-08-06. Review status: criteria provided, single submitter. Criteria: Invitae Variant Classification Sherloc (09022015). Collection method: clinical testing. Allele origin: germline.
Comment: This variant is not present in population databases (ExAC no frequency). This variant is expected to disrupt the EB1 and HDLG binding sites, which mediate interactions with the cytoskeleton (PMID: 15311282, 17293347). While functional studies have not been performed to directly test the effect on APC protein function, this suggests that disruption of the C-terminal portion of the protein is functionally important. For these reasons, this variant has been classified as Pathogenic. A different truncation (p.Tyr2645Lysfs*14) that lies downstream of this variant has been determined to be pathogenic (PMID: 9824584, 1316610, 27081525, 8381579, 22135120, Invitae). This suggests that deletion of this region of the APC protein is causative of disease. This variant has not been reported in the literature in individuals affected with APC-related conditions. This sequence change creates a premature translational stop signal (p.Lys889Serfs*22) in the APC gene. While this is not anticipated to result in nonsense mediated decay, it is expected to disrupt the last 1955 amino acid(s) of the APC protein.

Literature cited by the submitters: PubMed 15311282 (cited by Labcorp Genetics (formerly Invitae), Labcorp); PubMed 17293347 (cited by Labcorp Genetics (formerly Invitae), Labcorp); PubMed 9824584 (cited by Labcorp Genetics (formerly Invitae), Labcorp); PubMed 1316610 (cited by Labcorp Genetics (formerly Invitae), Labcorp); PubMed 27081525 (cited by Labcorp Genetics (formerly Invitae), Labcorp); PubMed 8381579 (cited by Labcorp Genetics (formerly Invitae), Labcorp); PubMed 22135120 (cited by Labcorp Genetics (formerly Invitae), Labcorp).

NM_000038.6(APC):c.2666_2667del (p.Lys889fs)

Gene: APC (APC regulator of Wnt signaling pathway; plus strand). Cytogenetic location: 5q22.2.
Variant type: Deletion.
Coding change: c.2666_2667del on transcript NM_000038.6 (MANE Select); coding-DNA positions 2666 to 2667, 2 bases deleted (AA; older notation c.2666_2667delAA).
Protein change: p.Lys889fs; shifts the reading frame from lysine 889.
Molecular consequence: frameshift variant.
Genome position (GRCh38, 1-based): chr5:112,838,260-112,838,261, AA deleted; deleting any 2 consecutive bases within chr5:112,838,259-112,838,261 gives the same sequence; the c. name uses the placement nearest the transcript's 3' end. VCF-style (leftmost placement, unchanged base first): chr5-112838258-CAA-C. GRCh37 (hg19) VCF-style: chr5-112173955-CAA-C.
Other names: c.2666_2667del, p.Lys889fs (NM_001127510.3, NM_001354895.2); c.2612_2613del, p.Lys871fs (NM_001127511.3); c.2720_2721del, p.Lys907fs (NM_001354896.2); c.2696_2697del, p.Lys899fs (NM_001354897.2); c.2591_2592del, p.Lys864fs (NM_001354898.2); c.2582_2583del, p.Lys861fs (NM_001354899.2); c.2543_2544del, p.Lys848fs (NM_001354900.2); c.2489_2490del, p.Lys830fs (NM_001354901.2); and 6 more; short protein forms K788fs, K830fs, K848fs, K889fs, K907fs, K606fs, K763fs, K899fs.
Identifiers: ClinVar variation 1388356 (VCV001388356.8), dbSNP rs1580625495, ClinGen allele CA2573138926.